The following is an entry in ClinVar:

ClinVar aggregate classification (germline): Uncertain significance. Review status: criteria provided, multiple submitters, no conflicts (2 of 4 stars). 3 submissions from 3 submitters: Uncertain significance (3). Last evaluated 2024-05-23.

Conditions:
Fanconi anemia complementation group L (FANCL). Also called: FANCL-Related Fanconi Anemia. Identifiers: Orphanet 84, MedGen C3469528, MONDO:0013566, OMIM 614083.
Fanconi anemia (FA). Also called: Fanconi's anemia. Identifiers: Orphanet 84, MedGen C0015625, MeSH D005199, MONDO:0019391.

Allele frequency attached by ClinVar (database versions not stated): ExAC 0.00001; gnomAD 0.00001; gnomAD exomes 0.00001; TOPMed 0.00001.
gnomAD v4.1: 11 of 1,614,026 alleles (0.00068%); highest among the groups gnomAD compares: Non-Finnish European, 0.00093%; no homozygotes.

Submissions (3):

Labcorp Genetics (formerly Invitae), Labcorp
Classification: Uncertain significance for Fanconi anemia. Last evaluated: 2024-05-23. Review status: criteria provided, single submitter. Criteria: Invitae Variant Classification Sherloc (09022015). Collection method: clinical testing. Allele origin: germline.
Comment: This sequence change replaces arginine, which is basic and polar, with glycine, which is neutral and non-polar, at codon 227 of the FANCL protein (p.Arg227Gly). This variant is present in population databases (rs778068203, gnomAD 0.0009%). This variant has not been reported in the literature in individuals affected with FANCL-related conditions. ClinVar contains an entry for this variant (Variation ID: 1000349). Advanced modeling of protein sequence and biophysical properties (such as structural, functional, and spatial information, amino acid conservation, physicochemical variation, residue mobility, and thermodynamic stability) performed at Invitae indicates that this missense variant is expected to disrupt FANCL protein function with a positive predictive value of 80%. In summary, the available evidence is currently insufficient to determine the role of this variant in disease. Therefore, it has been classified as a Variant of Uncertain Significance.

Fulgent Genetics
Classification: Uncertain significance for Fanconi anemia complementation group L. Last evaluated: 2021-12-16. Review status: criteria provided, single submitter. Criteria: ACMG Guidelines, 2015. Collection method: clinical testing. Allele origin: unknown.

Sema4
Classification: Uncertain significance for Fanconi anemia. Last evaluated: 2021-12-01. Review status: criteria provided, single submitter. Criteria: Sema4 Curation Guidelines. Collection method: curation. Allele origin: germline.
Comment: The FANCL c.679A>G (p.R227G) variant has not been reported in the literature to our knowledge. It was observed in 2/113714 chromosomes of the Non-Finnish European subpopulation in the large and broad cohorts of the Genome Aggregation Database (PMID: 32461654). The variant has been reported in ClinVar (Variation ID: 1000349). Functional studies have not been performed, and in silico predictions of the variant's effect on protein function are inconclusive. The evidence is insufficient to meet ACMG/AMP criteria for classifying the variant as benign or pathogenic. Thus, the clinical significance of this variant is currently uncertain.

NM_018062.4(FANCL):c.679A>G (p.Arg227Gly)

Gene: FANCL (FA complementation group L; minus strand). Cytogenetic location: 2p16.1.
Variant type: single nucleotide variant.
Coding change: c.679A>G on transcript NM_018062.4 (MANE Select); coding-DNA position 679, A replaced by G.
Protein change: p.Arg227Gly; replaces arginine 227 with glycine.
Molecular consequence: missense variant.
Genome position (GRCh38, 1-based): chr2:58,165,736, T>C on the plus strand (A>G on the coding strand, the complement: FANCL is on the minus strand). VCF-style: chr2-58165736-T-C. GRCh37 (hg19) VCF-style: chr2-58392871-T-C.
Other names: c.694A>G, p.Arg232Gly (NM_001114636.2); c.724A>G, p.Arg242Gly (NM_001374615.1); c.739A>G, p.Arg247Gly (NM_001410792.1); short protein forms R227G, R232G, R242G, R247G.
Identifiers: ClinVar variation 1000349 (VCV001000349.10), dbSNP rs778068203, ClinGen allele CA1670523.